The following is an entry in ClinVar:

NM_020778.4(ALPK3):c.130A>T (p.Ser44Cys)

Gene: ALPK3 (alpha kinase 3; plus strand). Cytogenetic location: 15q25.3.
Variant type: single nucleotide variant.
Coding change: c.130A>T on transcript NM_020778.4; coding-DNA position 130, A replaced by T.
Protein change: p.Ser44Cys; replaces serine 44 with cysteine.
Genome position (GRCh38, 1-based): chr15:84,816,976, A>T. VCF-style: chr15-84816976-A-T. GRCh37 (hg19) VCF-style: chr15-85360207-A-T.
Other names: short protein forms S44C.
Identifiers: ClinVar variation 2563945 (VCV002563945.2), dbSNP rs2505688052, ClinGen allele CA393368235.

ClinVar aggregate classification (germline): Uncertain significance (1 of 4 stars; one submission).

Conditions:
Cardiovascular phenotype. Identifiers: MedGen CN230736.

Submission:

Ambry Genetics
Classification: Uncertain significance for Cardiovascular phenotype. Last evaluated: 2023-04-16. Review status: criteria provided, single submitter. Criteria: Ambry Variant Classification Scheme 2023. Collection method: clinical testing. Allele origin: germline.
Comment: The p.S44C variant (also known as c.130A>T), located in coding exon 1 of the ALPK3 gene, results from an A to T substitution at nucleotide position 130. The serine at codon 44 is replaced by cysteine, an amino acid with dissimilar properties. This amino acid position is conserved. In addition, this alteration is predicted to be tolerated by in silico analysis. Since supporting evidence is limited at this time, the clinical significance of this alteration remains unclear.